The following is an entry in ClinVar:

ClinVar aggregate classification (germline): Uncertain significance. Review status: criteria provided, multiple submitters, no conflicts (2 of 4 stars). 5 submissions from 5 submitters: Uncertain significance (5). Last evaluated 2026-06-16.

Conditions:
Spastic paraplegia. Identifiers: MedGen C0037772, HP:0001258.

Submissions (5):

GeneDx
Classification: Uncertain significance. Last evaluated: 2026-06-16. Review status: criteria provided, single submitter. Criteria: GeneDx Variant Classification Process June 2021. Collection method: clinical testing. Allele origin: germline.
Comment: Identified with a second variant in a patient with global developmental delay, generalized muscle weakness, muscle atrophy, decreased muscle force, hypotonia, and myopathy in the published literature (PMID: 38374194); In silico analysis supports a deleterious effect on splicing; This variant is associated with the following publications: (PMID: 38374194)

Labcorp Genetics (formerly Invitae), Labcorp
Classification: Uncertain significance for Spastic paraplegia. Last evaluated: 2022-10-24. Review status: criteria provided, single submitter. Criteria: Invitae Variant Classification Sherloc (09022015). Collection method: clinical testing. Allele origin: germline.
Comment: This sequence change falls in intron 14 of the AP4E1 gene. It does not directly change the encoded amino acid sequence of the AP4E1 protein. It affects a nucleotide within the consensus splice site. This variant is present in population databases (rs778162120, gnomAD 0.08%). This variant has not been reported in the literature in individuals affected with AP4E1-related conditions. ClinVar contains an entry for this variant (Variation ID: 807257). Variants that disrupt the consensus splice site are a relatively common cause of aberrant splicing (PMID: 17576681, 9536098). Algorithms developed to predict the effect of sequence changes on RNA splicing suggest that this variant is not likely to affect RNA splicing. In summary, the available evidence is currently insufficient to determine the role of this variant in disease. Therefore, it has been classified as a Variant of Uncertain Significance.

Kariminejad - Najmabadi Pathology & Genetics Center
Classification: Uncertain significance. Last evaluated: 2018-06-30. Review status: criteria provided, single submitter. Criteria: ACMG Guidelines, 2015. Collection method: clinical testing. Allele origin: germline. Inheritance: Autosomal recessive inheritance. Affected: yes.
Comment: PM2, PP3

CeGaT Center for Human Genetics Tuebingen
Classification: Uncertain significance. Last evaluated: 2018-05-01. Review status: criteria provided, single submitter. Criteria: CeGaT Center For Human Genetics Tuebingen Variant Classification Criteria Version 2. Collection method: clinical testing. Allele origin: germline. Affected: yes. Observed: 1 variant allele.

Genetic Services Laboratory, University of Chicago
Classification: Uncertain significance. Last evaluated: 2018-03-06. Review status: criteria provided, single submitter. Criteria: ACMG Guidelines, 2015. Collection method: clinical testing. Allele origin: germline. Affected: no.

Literature cited by the submitters: PubMed 17576681 (cited by Labcorp Genetics (formerly Invitae), Labcorp); PubMed 9536098 (cited by Labcorp Genetics (formerly Invitae), Labcorp).

NM_007347.5(AP4E1):c.1851+2_1851+5dup

Gene: AP4E1 (adaptor related protein complex 4 subunit epsilon 1; plus strand). Cytogenetic location: 15q21.2.
Variant type: Duplication.
Coding change: c.1851+2_1851+5dup on transcript NM_007347.5 (MANE Select); the canonical splice donor site of the intron after coding-DNA position 1851 through 5 bases into the intron after coding-DNA position 1851, 4 bases duplicated (TAAG; older notation c.1851+2_1851+5dupTAAG).
Molecular consequence: splice donor variant.
Genome position (GRCh38, 1-based): chr15:50,958,796-50,958,799, TAAG duplicated; duplicating any 4 consecutive bases within chr15:50,958,795-50,958,799 gives the same sequence; the c. name uses the placement nearest the transcript's 3' end. VCF-style (leftmost placement, unchanged base first): chr15-50958794-G-GGTAA. GRCh37 (hg19) VCF-style: chr15-51250991-G-GGTAA.
Other names: c.1626+2_1626+5dup (NM_001252127.2).
Identifiers: ClinVar variation 807257 (VCV000807257.51), dbSNP rs778162120, ClinGen allele CA7559163.